The following is an entry in ClinVar:

ClinVar aggregate classification (germline): Uncertain significance (1 of 4 stars; one submission).

Conditions:
FRONTOTEMPORAL LOBAR DEGENERATION WITH TDP43 INCLUSIONS, TARDBP-RELATED. Also called: Frontotemporal lobar degeneration, TARDBP-related. Identifiers: MedGen C3150169, OMIM 612069.
Amyotrophic lateral sclerosis type 10 (ALS10). Also called: AMYOTROPHIC LATERAL SCLEROSIS 10 WITHOUT FRONTOTEMPORAL DEMENTIA AND WITH TDP43 INCLUSIONS; AMYOTROPHIC LATERAL SCLEROSIS 10 WITH OR WITHOUT FRONTOTEMPORAL DEMENTIA AND WITH TDP43 INCLUSIONS; AMYOTROPHIC LATERAL SCLEROSIS 10 WITH OR WITHOUT FRONTOTEMPORAL DEMENTIA; TARDBP-Related Amyotrophic Lateral Sclerosis-Frontotemporal Dementia; Amyotrophic lateral sclerosis 10, with or without FTD. Identifiers: Orphanet 275872, Orphanet 803, MedGen C2677565, MONDO:0012790, OMIM 612069.

Submission:

Labcorp Genetics (formerly Invitae), Labcorp
Classification: Uncertain significance for Amyotrophic lateral sclerosis type 10; FRONTOTEMPORAL LOBAR DEGENERATION WITH TDP43 INCLUSIONS, TARDBP-RELATED. Last evaluated: 2024-12-04. Review status: criteria provided, single submitter. Criteria: Invitae Variant Classification Sherloc (09022015). Collection method: clinical testing. Allele origin: germline.
Comment: This sequence change replaces alanine, which is neutral and non-polar, with glycine, which is neutral and non-polar, at codon 315 of the TARDBP protein (p.Ala315Gly). This variant is not present in population databases (gnomAD no frequency). This variant has not been reported in the literature in individuals affected with TARDBP-related conditions. Invitae Evidence Modeling of protein sequence and biophysical properties (such as structural, functional, and spatial information, amino acid conservation, physicochemical variation, residue mobility, and thermodynamic stability) indicates that this missense variant is not expected to disrupt TARDBP protein function with a negative predictive value of 80%. This variant disrupts the p.Ala315 amino acid residue in TARDBP. Other variant(s) that disrupt this residue have been determined to be pathogenic (PMID: 18288693, 20031275, 25681989, 29411640). This suggests that this residue is clinically significant, and that variants that disrupt this residue are likely to be disease-causing. In summary, the available evidence is currently insufficient to determine the role of this variant in disease. Therefore, it has been classified as a Variant of Uncertain Significance.

Literature cited by the submitters: PubMed 18288693; PubMed 20031275; PubMed 25681989; PubMed 29411640.

NM_007375.4(TARDBP):c.944C>G (p.Ala315Gly)

Gene: TARDBP (TAR DNA binding protein; plus strand). Cytogenetic location: 1p36.22.
Variant type: single nucleotide variant.
Coding change: c.944C>G on transcript NM_007375.4 (MANE Select); coding-DNA position 944, C replaced by G.
Protein change: p.Ala315Gly; replaces alanine 315 with glycine.
Molecular consequence: missense variant.
Genome position (GRCh38, 1-based): chr1:11,022,353, C>G. VCF-style: chr1-11022353-C-G. GRCh37 (hg19) VCF-style: chr1-11082410-C-G.
Other names: short protein forms A315G.
Identifiers: ClinVar variation 3757709 (VCV003757709.2).